The following is an entry in ClinVar:

ClinVar aggregate classification (germline): Uncertain significance (1 of 4 stars; one submission).

Allele frequency attached by ClinVar (database versions not stated): TOPMed below 0.00001.

Submission:

Labcorp Genetics (formerly Invitae), Labcorp
Classification: Uncertain significance. Last evaluated: 2022-08-10. Review status: criteria provided, single submitter. Criteria: Invitae Variant Classification Sherloc (09022015). Collection method: clinical testing. Allele origin: germline.
Comment: This variant has not been reported in the literature in individuals affected with SAR1B-related conditions. ClinVar contains an entry for this variant (Variation ID: 1386224). Algorithms developed to predict the effect of missense changes on protein structure and function (SIFT, PolyPhen-2, Align-GVGD) all suggest that this variant is likely to be disruptive. In summary, the available evidence is currently insufficient to determine the role of this variant in disease. Therefore, it has been classified as a Variant of Uncertain Significance. This sequence change replaces aspartic acid, which is acidic and polar, with histidine, which is basic and polar, at codon 104 of the SAR1B protein (p.Asp104His). This variant is not present in population databases (gnomAD no frequency).

NM_016103.4(SAR1B):c.310G>C (p.Asp104His)

Gene: SAR1B (secretion associated Ras related GTPase 1B; minus strand). Cytogenetic location: 5q31.1.
Variant type: single nucleotide variant.
Coding change: c.310G>C on transcript NM_016103.4 (MANE Select); coding-DNA position 310, G replaced by C.
Protein change: p.Asp104His; replaces aspartic acid 104 with histidine.
Molecular consequence: missense variant.
Genome position (GRCh38, 1-based): chr5:134,609,609, C>G on the plus strand (G>C on the coding strand, the complement: SAR1B is on the minus strand). VCF-style: chr5-134609609-C-G. GRCh37 (hg19) VCF-style: chr5-133945299-C-G.
Other names: c.310G>C, p.Asp104His (NM_001033503.3); short protein forms D104H.
Identifiers: ClinVar variation 1386224 (VCV001386224.8), dbSNP rs1765181040, ClinGen allele CA361000399.